The following is an entry in ClinVar:

NM_001377.3(DYNC2H1):c.11256+1G>T

Gene: DYNC2H1 (dynein cytoplasmic 2 heavy chain 1; plus strand). Cytogenetic location: 11q22.3.
Variant type: single nucleotide variant.
Coding change: c.11256+1G>T on transcript NM_001377.3 (MANE Select); the canonical splice donor site of the intron after coding-DNA position 11256, G replaced by T.
Molecular consequence: splice donor variant.
Genome position (GRCh38, 1-based): chr11:103,303,254, G>T. VCF-style: chr11-103303254-G-T. GRCh37 (hg19) VCF-style: chr11-103173983-G-T.
Other names: c.11277+1G>T (NM_001080463.2).
Identifiers: ClinVar variation 3022528 (VCV003022528.6), dbSNP rs543946816, ClinGen allele CA6255190.

ClinVar aggregate classification (germline): Likely pathogenic. Review status: criteria provided, multiple submitters, no conflicts (2 of 4 stars). 3 submissions from 3 submitters: Likely pathogenic (3). Last evaluated 2026-03-02.

Conditions:
Jeune thoracic dystrophy. Also called: Jeune syndrome; Infantile thoracic dystrophy; Thoracic pelvic phalangeal dystrophy; Jeune's syndrome; Chondroectodermal dysplasia-like syndrome; Short-rib thoracic dysplasia. Identifiers: Orphanet 474, MedGen C0265275, MONDO:0018770.
Asphyxiating thoracic dystrophy 3. Also called: Saldino-Noonan Syndrome; SHORT-RIB THORACIC DYSPLASIA 3 WITH OR WITHOUT POLYDACTYLY; POLYDACTYLY WITH NEONATAL CHONDRODYSTROPHY, TYPE I; SHORT-RIB THORACIC DYSPLASIA 3/6 WITH POLYDACTYLY, DIGENIC; Short rib polydactyly syndrome 2B. Identifiers: Orphanet 474, Orphanet 93269, Orphanet 93270, Orphanet 93271, MedGen C0036069, MONDO:0013127, OMIM 613091.

Allele frequency attached by ClinVar (database versions not stated): ExAC 0.00001; gnomAD 0.00001; TOPMed 0.00001; 1000 Genomes Project 0.00020; 1000 Genomes Project 30x 0.00031.
gnomAD v4.1: 2 of 1,610,642 alleles (0.00012%); highest among the groups gnomAD compares: East Asian, 0.0022%; no homozygotes.

Submissions (3):

Myriad Genetics, Inc.
Classification: Likely pathogenic for Asphyxiating thoracic dystrophy 3. Last evaluated: 2026-03-02. Review status: criteria provided, single submitter. Criteria: Myriad Autosomal Dominant, Autosomal Recessive and X-Linked Classification Criteria (2023). Collection method: clinical testing. Allele origin: unknown.
Comment: NM_001377.2(DYNC2H1):c.11256+1G>T is a variant in a canonical splice site classified as likely pathogenic in the context of DYNC2H1-related disorders. c.11256+1G>T has not been observed in cases with relevant disease. Relevant functional assessments of this variant are not available in the literature. c.11256+1G>T has been observed in referenced population frequency databases. In summary, NM_001377.2(DYNC2H1):c.11256+1G>T is a variant in a canonical splice site in a gene where loss of function is a known mechanism of disease and is predicted to disrupt protein function. Please note: this variant was assessed in the context of healthy population screening.

Labcorp Genetics (formerly Invitae), Labcorp
Classification: Likely pathogenic for Jeune thoracic dystrophy. Last evaluated: 2024-01-30. Review status: criteria provided, single submitter. Criteria: Invitae Variant Classification Sherloc (09022015). Collection method: clinical testing. Allele origin: germline.
Comment: This sequence change affects a donor splice site in intron 77 of the DYNC2H1 gene. It is expected to disrupt RNA splicing. Variants that disrupt the donor or acceptor splice site typically lead to a loss of protein function (PMID: 16199547), and loss-of-function variants in DYNC2H1 are known to be pathogenic (PMID: 23339108, 32753734, 33755199). This variant is present in population databases (rs543946816, gnomAD 0.006%). Disruption of this splice site has been observed in individual(s) with bone dysplasia (PMID: 33452237). Algorithms developed to predict the effect of sequence changes on RNA splicing suggest that this variant may disrupt the consensus splice site. In summary, the currently available evidence indicates that the variant is pathogenic, but additional data are needed to prove that conclusively. Therefore, this variant has been classified as Likely Pathogenic.

Juno Genomics, Hangzhou Juno Genomics, Inc
Classification: Likely pathogenic for Asphyxiating thoracic dystrophy 3. Review status: criteria provided, single submitter. Criteria: ACMG Guidelines, 2015. Collection method: clinical testing. Allele origin: germline.
Comment: Null variant in a gene where loss of function (LOF) is a known mechanism of disease.;Absent from controls (or at extremely low frequency if recessive) in Genome Aggregation Database.

Literature cited by the submitters: PubMed 16199547 (cited by Labcorp Genetics (formerly Invitae), Labcorp); PubMed 23339108 (cited by Labcorp Genetics (formerly Invitae), Labcorp); PubMed 32753734 (cited by Labcorp Genetics (formerly Invitae), Labcorp); PubMed 33755199 (cited by Labcorp Genetics (formerly Invitae), Labcorp); PubMed 33452237 (cited by Labcorp Genetics (formerly Invitae), Labcorp).